The following is an entry in ClinVar:

ClinVar aggregate classification (germline): Likely benign. Review status: criteria provided, multiple submitters, no conflicts (2 of 4 stars). 2 submissions from 2 submitters: Likely benign (2). Last evaluated 2025-07-14.

Submissions (2):

Labcorp Genetics (formerly Invitae), Labcorp
Classification: Likely benign. Last evaluated: 2025-07-14. Review status: criteria provided, single submitter. Criteria: Invitae Variant Classification Sherloc (09022015). Collection method: clinical testing. Allele origin: germline.

CeGaT Center for Human Genetics Tuebingen
Classification: Likely benign. Last evaluated: 2025-03-01. Review status: criteria provided, single submitter. Criteria: CeGaT Center For Human Genetics Tuebingen Variant Classification Criteria Version 2. Collection method: clinical testing. Allele origin: germline. Affected: yes. Observed: 1 variant allele.
Comment: NEDD4L: PM2:Supporting, BP4, BP7

NM_001144967.3(NEDD4L):c.372A>G (p.Arg124=)

Gene: NEDD4L (NEDD4 like E3 ubiquitin protein ligase; plus strand). Cytogenetic location: 18q21.31.
Variant type: single nucleotide variant.
Coding change: c.372A>G on transcript NM_001144967.3 (MANE Select); coding-DNA position 372, A replaced by G.
Protein change: p.Arg124=; no amino-acid change (arginine 124 retained).
Molecular consequence: synonymous variant.
Genome position (GRCh38, 1-based): chr18:58,322,448, A>G. VCF-style: chr18-58322448-A-G. GRCh37 (hg19) VCF-style: chr18-55989680-A-G.
Other names: c.9A>G, p.Arg3= (NM_001144964.1, NM_001144965.2, NM_001144966.3 and 2 more transcripts); c.348A>G, p.Arg116= (NM_001144968.2, NM_001144969.2); c.372A>G, p.Arg124= (NM_001243960.2, NM_015277.6).
Identifiers: ClinVar variation 3778456 (VCV003778456.8).
Genomic context (GRCh38, chr18:58,322,448, plus strand): 5'-GAATATTAAAATTTAATTTACTGTTTTTTCCCCACAGACAGAAGATCCAACCATGGAGCG[A>G]CCCTATACATTTAAGGACTTTCTCCTCAGACCAAGAAGGTGAGGCTTGTGGGTATGGGTG-3'
Protein context (NP_001138439.1, residues 114-134): HLPTEDPTME[Arg124=]PYTFKDFLLR